The following is an entry in ClinVar:

NM_001793.6(CDH3):c.523C>T (p.Arg175Trp)

Gene: CDH3 (cadherin 3; plus strand). Cytogenetic location: 16q22.1.
Variant type: single nucleotide variant.
Coding change: c.523C>T on transcript NM_001793.6 (MANE Select); coding-DNA position 523, C replaced by T.
Protein change: p.Arg175Trp; replaces arginine 175 with tryptophan.
Molecular consequence: missense variant.
Genome position (GRCh38, 1-based): chr16:68,678,633, C>T. VCF-style: chr16-68678633-C-T. GRCh37 (hg19) VCF-style: chr16-68712536-C-T.
Other names: c.523C>T, p.Arg175Trp (NM_001317195.3); c.358C>T, p.Arg120Trp (NM_001317196.2); short protein forms R120W, R175W.
Identifiers: ClinVar variation 1357978 (VCV001357978.5), dbSNP rs752829567, ClinGen allele CA8129053.

ClinVar aggregate classification (germline): Uncertain significance (1 of 4 stars; one submission).

Allele frequency attached by ClinVar (database versions not stated): gnomAD 0.00001; gnomAD exomes 0.00002; TOPMed 0.00002; ExAC 0.00003.
gnomAD v4.1: 19 of 1,614,064 alleles (0.0012%); highest among the groups gnomAD compares: Admixed American, 0.0067%; no homozygotes.

Submission:

Labcorp Genetics (formerly Invitae), Labcorp
Classification: Uncertain significance. Last evaluated: 2022-05-25. Review status: criteria provided, single submitter. Criteria: Invitae Variant Classification Sherloc (09022015). Collection method: clinical testing. Allele origin: germline.
Comment: This sequence change replaces arginine, which is basic and polar, with tryptophan, which is neutral and slightly polar, at codon 175 of the CDH3 protein (p.Arg175Trp). This variant is present in population databases (rs752829567, gnomAD 0.003%). This variant has not been reported in the literature in individuals affected with CDH3-related conditions. Algorithms developed to predict the effect of missense changes on protein structure and function are either unavailable or do not agree on the potential impact of this missense change (SIFT: "Not Available"; PolyPhen-2: "Probably Damaging"; Align-GVGD: "Not Available"). In summary, the available evidence is currently insufficient to determine the role of this variant in disease. Therefore, it has been classified as a Variant of Uncertain Significance.